The following is an entry in ClinVar:

NM_000337.6(SGCD):c.294+279C>A

Gene: SGCD (sarcoglycan delta; plus strand). Cytogenetic location: 5q33.3.
Variant type: single nucleotide variant.
Coding change: c.294+279C>A on transcript NM_000337.6 (MANE Select); 279 bases into the intron after coding-DNA position 294, C replaced by A.
Molecular consequence: intron variant.
Genome position (GRCh38, 1-based): chr5:156,508,981, C>A. VCF-style: chr5-156508981-C-A. GRCh37 (hg19) VCF-style: chr5-155935991-C-A.
Other names: c.291+279C>A (NM_001128209.2); c.294+279C>A (NM_172244.3).
Identifiers: ClinVar variation 683819 (VCV000683819.1), dbSNP rs256826, ClinGen allele CA130613382.

ClinVar aggregate classification (germline): Benign (1 of 4 stars; one submission).

Allele frequency attached by ClinVar (database versions not stated): gnomAD 0.20653 and 0.20785; TOPMed 0.21339; 1000 Genomes Project 30x 0.21658; 1000 Genomes Project 0.21725.
gnomAD v4.1: 31,356 of 152,168 alleles (21%); highest among the groups gnomAD compares: East Asian, 23%; 3,292 homozygotes.

Submission:

GeneDx
Classification: Benign. Last evaluated: 2018-06-19. Review status: criteria provided, single submitter. Criteria: GeneDx Variant Classification (06012015). Collection method: clinical testing. Allele origin: germline. Affected: yes.
Comment: This variant is considered likely benign or benign based on one or more of the following criteria: it is a conservative change, it occurs at a poorly conserved position in the protein, it is predicted to be benign by multiple in silico algorithms, and/or has population frequency not consistent with disease.